The following is an entry in ClinVar:

NM_017514.5(PLXNA3):c.18C>T (p.Leu6=)

Gene: PLXNA3 (plexin A3; plus strand). Cytogenetic location: Xq28.
Variant type: single nucleotide variant.
Coding change: c.18C>T on transcript NM_017514.5 (MANE Select); coding-DNA position 18, C replaced by T.
Protein change: p.Leu6=; no amino-acid change (leucine 6 retained).
Molecular consequence: synonymous variant.
Genome position (GRCh38, 1-based): chrX:154,460,201, C>T. VCF-style: chrX-154460201-C-T. GRCh37 (hg19) VCF-style: chrX-153688541-C-T.
Identifiers: ClinVar variation 3046831 (VCV003046831.2), dbSNP rs2523060744, ClinGen allele CA519711128.

ClinVar aggregate classification (germline): Likely benign (0 of 4 stars; one submission).

Conditions:
PLXNA3-related disorder. Also called: PLXNA3-related condition.

Submission:

PreventionGenetics, part of Exact Sciences
Classification: Likely benign for PLXNA3-related condition. Last evaluated: 2019-03-13. Review status: no assertion criteria provided. Collection method: clinical testing. Allele origin: germline.
Comment: This variant is classified as likely benign based on ACMG/AMP sequence variant interpretation guidelines (Richards et al. 2015 PMID: 25741868, with internal and published modifications).